The following is an entry in ClinVar:

NM_017780.4(CHD7):c.7481C>T (p.Thr2494Ile)

Gene: CHD7 (chromodomain helicase DNA binding protein 7; plus strand). Cytogenetic location: 8q12.2.
Variant type: single nucleotide variant.
Coding change: c.7481C>T on transcript NM_017780.4 (MANE Select); coding-DNA position 7481, C replaced by T.
Protein change: p.Thr2494Ile; replaces threonine 2494 with isoleucine.
Molecular consequence: missense variant. On other transcripts: intron variant (1).
Genome position (GRCh38, 1-based): chr8:60,856,761, C>T. VCF-style: chr8-60856761-C-T. GRCh37 (hg19) VCF-style: chr8-61769320-C-T.
Other names: c.1717-5468C>T (NM_001316690.1); short protein forms T2494I.
Identifiers: ClinVar variation 363479 (VCV000363479.16), dbSNP rs201514840, ClinGen allele CA4760818.

ClinVar aggregate classification (germline): Conflicting classifications of pathogenicity. Review status: criteria provided, conflicting classifications (1 of 4 stars). 5 submissions from 5 submitters: Uncertain significance (2); Benign (1); Likely benign (1). 1 of the submissions does not count toward it. Last evaluated 2025-09-15.

Conditions:
Hypogonadotropic hypogonadism 5 with or without anosmia (KAL5). Also called: HYPOGONADOTROPIC HYPOGONADISM 5 WITH ANOSMIA; HYPOGONADOTROPHIC HYPOGONADISM 5 WITHOUT ANOSMIA; CHD7-Related GnRH Deficiency (Kallmann Syndrome 5). Identifiers: Orphanet 478, MedGen C3552553, MONDO:0012880, OMIM 612370. Disease mechanism: loss of function.
Inborn genetic diseases. Identifiers: MedGen C0950123, MeSH D030342.
CHD7-related disorder. Also called: CHD7-related condition.
CHARGE syndrome (CHARGE). Also called: CHARGE ASSOCIATION--COLOBOMA, HEART ANOMALY, CHOANAL ATRESIA, RETARDATION, GENITAL AND EAR ANOMALIES; Coloboma, heart anomaly, choanal atresia, retardation, genital and ear anomalies; CHARGE association; Hall-Hittner syndrome; Hittner Hirsch Kreh syndrome. Identifiers: Orphanet 138, MedGen C0265354, MONDO:0008965.

Allele frequency attached by ClinVar (database versions not stated): TOPMed 0.00005; ExAC 0.00007; gnomAD 0.00007; ESP Exome Variant Server 0.00008; gnomAD exomes 0.00008.
gnomAD v4.1: 69 of 1,613,894 alleles (0.0043%); highest among the groups gnomAD compares: Admixed American, 0.012%; no homozygotes.

Submissions (5):

Labcorp Genetics (formerly Invitae), Labcorp
Classification: Benign for CHARGE syndrome. Last evaluated: 2025-09-15. Review status: criteria provided, single submitter. Criteria: Invitae Variant Classification Sherloc (09022015). Collection method: clinical testing. Allele origin: germline.

Ambry Genetics
Classification: Likely benign for Inborn genetic diseases. Last evaluated: 2023-03-18. Review status: criteria provided, single submitter. Criteria: Ambry Variant Classification Scheme 2023. Collection method: clinical testing. Allele origin: germline.

Illumina Laboratory Services, Illumina
Classification: Uncertain significance for Kallmann Syndrome 5. Last evaluated: 2018-01-13. Review status: criteria provided, single submitter. Criteria: ICSL Variant Classification Criteria 13 December 2019. Collection method: clinical testing. Allele origin: germline.

Center for Human Genetics, Inc
Classification: Uncertain significance for CHARGE syndrome. Last evaluated: 2016-11-01. Review status: criteria provided, single submitter. Criteria: ACMG Guidelines, 2015. Collection method: clinical testing. Allele origin: germline. Affected: yes.

PreventionGenetics, part of Exact Sciences
Classification: Likely benign for CHD7-related condition. Last evaluated: 2024-05-03. Review status: no assertion criteria provided. Collection method: clinical testing. Allele origin: germline. Not counted in ClinVar's aggregate classification.
Comment: This variant is classified as likely benign based on ACMG/AMP sequence variant interpretation guidelines (Richards et al. 2015 PMID: 25741868, with internal and published modifications).